The following is an entry in ClinVar:

ClinVar aggregate classification (germline): Uncertain significance (1 of 4 stars; one submission).

Submission:

Labcorp Genetics (formerly Invitae), Labcorp
Classification: Uncertain significance. Last evaluated: 2025-04-11. Review status: criteria provided, single submitter. Criteria: Invitae Variant Classification Sherloc (09022015). Collection method: clinical testing. Allele origin: germline.
Comment: This sequence change replaces glutamic acid, which is acidic and polar, with aspartic acid, which is acidic and polar, at codon 23 of the TNNT3 protein (p.Glu23Asp). This variant is not present in population databases (gnomAD no frequency). This variant has not been reported in the literature in individuals affected with TNNT3-related conditions. Experimental studies and prediction algorithms are not available or were not evaluated, and the functional significance of this variant is currently unknown. In summary, the available evidence is currently insufficient to determine the role of this variant in disease. Therefore, it has been classified as a Variant of Uncertain Significance.

NM_006757.4(TNNT3):c.69G>T (p.Glu23Asp)

Gene: TNNT3 (troponin T3, fast skeletal type; plus strand). Cytogenetic location: 11p15.5.
Variant type: single nucleotide variant.
Coding change: c.69G>T on transcript NM_006757.4 (MANE Select); coding-DNA position 69, G replaced by T.
Protein change: p.Glu23Asp; replaces glutamic acid 23 with aspartic acid.
Molecular consequence: missense variant. On other transcripts: intron variant (8).
Genome position (GRCh38, 1-based): chr11:1,926,696, G>T. VCF-style: chr11-1926696-G-T. GRCh37 (hg19) VCF-style: chr11-1947926-G-T.
Other names: c.69G>T, p.Glu23Asp (NM_001042780.3, NM_001042782.3, NM_001297646.2 and 1 more transcripts); c.102G>T, p.Glu34Asp (NM_001363561.2, NM_001367846.1, NM_001367847.1); c.90G>T, p.Glu30Asp (NM_001367848.1); c.100+215G>T (NM_001042781.3, NM_001367843.1, NM_001367842.1); c.82+215G>T (NM_001367845.1); c.50-3114G>T (NM_001367850.1); c.-98-3114G>T (NM_001367851.1); c.70+1420G>T (NM_001367849.1); and 1 more; short protein forms E23D, E30D, E34D.
Identifiers: ClinVar variation 4716380 (VCV004716380.1).